The following is an entry in ClinVar:

ClinVar aggregate classification (germline): Uncertain significance. Review status: criteria provided, multiple submitters, no conflicts (2 of 4 stars). 5 submissions from 5 submitters: Uncertain significance (4). 1 of the submissions does not count toward it. Last evaluated 2026-03-02.

Conditions:
Deficiency of hydroxymethylglutaryl-CoA lyase (HMGCLD). Also called: HMG-CoA LYASE DEFICIENCY; Defect in leucine metabolism; 3-hydroxy-3-methylglutaric aciduria; HMGCL DEFICIENCY; HYDROXYMETHYLGLUTARIC ACIDURIA. Identifiers: Orphanet 20, MedGen C1533587, MONDO:0009520, OMIM 246450.

Allele frequency attached by ClinVar (database versions not stated): gnomAD below 0.00001 and 0.00001; gnomAD exomes 0.00009 and 0.00018; ExAC 0.00024.
gnomAD v4.1: 129 of 1,613,396 alleles (0.008%); highest among the groups gnomAD compares: South Asian, 0.14%; 2 homozygotes.

Submissions (5):

Women's Health and Genetics/Laboratory Corporation of America, LabCorp
Classification: Uncertain significance. Last evaluated: 2026-03-02. Review status: criteria provided, single submitter. Criteria: LabCorp Variant Classification Summary - May 2015. Collection method: clinical testing. Allele origin: germline.

Genome-Nilou Lab
Classification: Uncertain significance for Deficiency of hydroxymethylglutaryl-CoA lyase. Last evaluated: 2023-04-11. Review status: criteria provided, single submitter. Criteria: ACMG Guidelines, 2015. Collection method: clinical testing. Allele origin: germline. Affected: no.

Labcorp Genetics (formerly Invitae), Labcorp
Classification: Uncertain significance for Deficiency of hydroxymethylglutaryl-CoA lyase. Last evaluated: 2022-10-18. Review status: criteria provided, single submitter. Criteria: Invitae Variant Classification Sherloc (09022015). Collection method: clinical testing. Allele origin: germline.
Comment: This sequence change falls in intron 5 of the HMGCL gene. It does not directly change the encoded amino acid sequence of the HMGCL protein. It affects a nucleotide within the consensus splice site. This variant is present in population databases (rs763178392, gnomAD 0.1%). This variant has not been reported in the literature in individuals affected with HMGCL-related conditions. ClinVar contains an entry for this variant (Variation ID: 296853). Variants that disrupt the consensus splice site are a relatively common cause of aberrant splicing (PMID: 17576681, 9536098). Algorithms developed to predict the effect of sequence changes on RNA splicing suggest that this variant is not likely to affect RNA splicing. In summary, the available evidence is currently insufficient to determine the role of this variant in disease. Therefore, it has been classified as a Variant of Uncertain Significance.

Illumina Laboratory Services, Illumina
Classification: Uncertain significance for Deficiency of hydroxymethylglutaryl-CoA lyase. Last evaluated: 2018-01-13. Review status: criteria provided, single submitter. Criteria: ICSL Variant Classification Criteria 13 December 2019. Collection method: clinical testing. Allele origin: germline.

Natera, Inc.
Classification: Uncertain significance for HMG-CoA lyase deficiency. Last evaluated: 2020-09-29. Review status: no assertion criteria provided. Collection method: clinical testing. Allele origin: germline. Not counted in ClinVar's aggregate classification.

Literature cited by the submitters: PubMed 17576681 (cited by Labcorp Genetics (formerly Invitae), Labcorp); PubMed 9536098 (cited by Labcorp Genetics (formerly Invitae), Labcorp).

NM_000191.3(HMGCL):c.497+3G>A

Gene: HMGCL (3-hydroxy-3-methylglutaryl-CoA lyase; minus strand). Cytogenetic location: 1p36.11.
Variant type: single nucleotide variant.
Coding change: c.497+3G>A on transcript NM_000191.3 (MANE Select); 3 bases into the intron after coding-DNA position 497, G replaced by A.
Molecular consequence: intron variant.
Genome position (GRCh38, 1-based): chr1:23,814,187, C>T on the plus strand (G>A on the coding strand, the complement: HMGCL is on the minus strand). VCF-style: chr1-23814187-C-T. GRCh37 (hg19) VCF-style: chr1-24140677-C-T.
Other names: c.348+2488G>A (NM_001166059.2).
Identifiers: ClinVar variation 296853 (VCV000296853.10), dbSNP rs763178392, ClinGen allele CA686087.
Genomic context (GRCh38, chr1:23,814,187, plus strand): 5'-GTCAGAGTCTAGCCCCATTCCAGAACGGTACAGAGGAAAGGATACCAATGTGCTCTGACT[C>T]ACCCCCGCACAGAAATATTGGCTGACTGCGCTGCCTTCAGGATTGCGTCAAACCTCTGAA-3'